The following is an entry in ClinVar:

ClinVar aggregate classification (germline): Uncertain significance. Review status: criteria provided, multiple submitters, no conflicts (2 of 4 stars). 2 submissions from 2 submitters: Uncertain significance (2). Last evaluated 2024-09-10.

Conditions:
Inborn genetic diseases. Identifiers: MedGen C0950123, MeSH D030342.

gnomAD v4.1: 40 of 1,614,084 alleles (0.0025%); highest among the groups gnomAD compares: Admixed American, 0.033%; 1 homozygote.

Submissions (2):

Ambry Genetics
Classification: Uncertain significance for Inborn genetic diseases. Last evaluated: 2024-09-10. Review status: criteria provided, single submitter. Criteria: Ambry Variant Classification Scheme 2023. Collection method: clinical testing. Allele origin: germline.

Labcorp Genetics (formerly Invitae), Labcorp
Classification: Uncertain significance. Last evaluated: 2024-06-22. Review status: criteria provided, single submitter. Criteria: Invitae Variant Classification Sherloc (09022015). Collection method: clinical testing. Allele origin: germline.
Comment: This sequence change replaces proline, which is neutral and non-polar, with leucine, which is neutral and non-polar, at codon 2181 of the PIEZO2 protein (p.Pro2181Leu). This variant is present in population databases (rs192092641, gnomAD 0.01%). This variant has not been reported in the literature in individuals affected with PIEZO2-related conditions. Advanced modeling of protein sequence and biophysical properties (such as structural, functional, and spatial information, amino acid conservation, physicochemical variation, residue mobility, and thermodynamic stability) performed at Invitae indicates that this missense variant is expected to disrupt PIEZO2 protein function with a positive predictive value of 80%. In summary, the available evidence is currently insufficient to determine the role of this variant in disease. Therefore, it has been classified as a Variant of Uncertain Significance.

NM_001378183.1(PIEZO2):c.6881C>T (p.Pro2294Leu)

Gene: PIEZO2 (piezo type mechanosensitive ion channel component 2; minus strand). Cytogenetic location: 18p11.22.
Variant type: single nucleotide variant.
Coding change: c.6881C>T on transcript NM_001378183.1 (MANE Select); coding-DNA position 6881, C replaced by T.
Protein change: p.Pro2294Leu; replaces proline 2294 with leucine.
Molecular consequence: missense variant.
Genome position (GRCh38, 1-based): chr18:10,696,486, G>A on the plus strand (C>T on the coding strand, the complement: PIEZO2 is on the minus strand). VCF-style: chr18-10696486-G-A. GRCh37 (hg19) VCF-style: chr18-10696484-G-A.
Other names: c.6617C>T, p.Pro2206Leu (NM_001410871.1); c.6542C>T, p.Pro2181Leu (NM_022068.4); short protein forms P2181L, P2206L, P2294L.
Identifiers: ClinVar variation 3418262 (VCV003418262.3).